The following is an entry in ClinVar:

ClinVar aggregate classification (germline): Uncertain significance (1 of 4 stars; one submission).

Submission:

GeneDx
Classification: Uncertain significance. Last evaluated: 2025-01-07. Review status: criteria provided, single submitter. Criteria: GeneDx Variant Classification Process June 2021. Collection method: clinical testing. Allele origin: germline. Affected: yes.
Comment: Not observed at significant frequency in large population cohorts (gnomAD); In silico analysis supports that this missense variant has a deleterious effect on protein structure/function; Has not been previously published as pathogenic or benign to our knowledge

NM_005068.3(SIM1):c.520G>A (p.Gly174Ser)

Gene: SIM1 (SIM bHLH transcription factor 1; minus strand). Cytogenetic location: 6q16.3.
Variant type: single nucleotide variant.
Coding change: c.520G>A on transcript NM_005068.3 (MANE Select); coding-DNA position 520, G replaced by A.
Protein change: p.Gly174Ser; replaces glycine 174 with serine.
Molecular consequence: missense variant.
Genome position (GRCh38, 1-based): chr6:100,449,386, C>T on the plus strand (G>A on the coding strand, the complement: SIM1 is on the minus strand). VCF-style: chr6-100449386-C-T. GRCh37 (hg19) VCF-style: chr6-100897262-C-T.
Other names: c.520G>A, p.Gly174Ser (NM_001374769.1); short protein forms G174S.
Identifiers: ClinVar variation 4056059 (VCV004056059.1).